The following is an entry in ClinVar:

ClinVar aggregate classification (germline): Pathogenic (1 of 4 stars; one submission).

Conditions:
Generalized epilepsy with febrile seizures plus, type 9 (GEFSP9). Also called: GEFS+, TYPE 9. Identifiers: Orphanet 36387, MedGen C4015395, MONDO:0014517, OMIM 616172.

Submission:

Labcorp Genetics (formerly Invitae), Labcorp
Classification: Pathogenic for Generalized epilepsy with febrile seizures plus, type 9. Last evaluated: 2023-12-02. Review status: criteria provided, single submitter. Criteria: Invitae Variant Classification Sherloc (09022015). Collection method: clinical testing. Allele origin: germline.
Comment: This sequence change affects a donor splice site in intron 9 of the STX1B gene. While this variant is not anticipated to result in nonsense mediated decay, it likely alters RNA splicing and results in a disrupted protein product. This variant is not present in population databases (gnomAD no frequency). This variant has not been reported in the literature in individuals affected with STX1B-related conditions. Variants that disrupt the consensus splice site are a relatively common cause of aberrant splicing (PMID: 17576681, 9536098). Algorithms developed to predict the effect of sequence changes on RNA splicing suggest that this variant may disrupt the consensus splice site. This variant disrupts a region of the STX1B protein in which other variant(s) (p.Gly275Arg) have been determined to be pathogenic (Invitae). This suggests that this is a clinically significant region of the protein, and that variants that disrupt it are likely to be disease-causing. For these reasons, this variant has been classified as Pathogenic.

Literature cited by the submitters: PubMed 17576681; PubMed 9536098.

NM_052874.5(STX1B):c.786+1G>A

Gene: STX1B (syntaxin 1B; minus strand). Cytogenetic location: 16p11.2.
Variant type: single nucleotide variant.
Coding change: c.786+1G>A on transcript NM_052874.5 (MANE Select); the canonical splice donor site of the intron after coding-DNA position 786, G replaced by A.
Molecular consequence: splice donor variant.
Genome position (GRCh38, 1-based): chr16:30,993,129, C>T on the plus strand (G>A on the coding strand, the complement: STX1B is on the minus strand). VCF-style: chr16-30993129-C-T. GRCh37 (hg19) VCF-style: chr16-31004450-C-T.
Identifiers: ClinVar variation 2693031 (VCV002693031.3), dbSNP rs372818642, ClinGen allele CA395646549.